The following is an entry in ClinVar:

ClinVar aggregate classification (germline): Pathogenic (1 of 4 stars; one submission).

Submission:

Labcorp Genetics (formerly Invitae), Labcorp
Classification: Pathogenic. Last evaluated: 2022-08-31. Review status: criteria provided, single submitter. Criteria: Invitae Variant Classification Sherloc (09022015). Collection method: clinical testing. Allele origin: germline.
Comment: For these reasons, this variant has been classified as Pathogenic. ClinVar contains an entry for this variant (Variation ID: 960293). This variant has not been reported in the literature in individuals affected with WHRN-related conditions. This variant is not present in population databases (gnomAD no frequency). This sequence change creates a premature translational stop signal (p.Gly185Cysfs*11) in the WHRN gene. It is expected to result in an absent or disrupted protein product. Loss-of-function variants in WHRN are known to be pathogenic (PMID: 12833159, 15841483, 22147658).

Literature cited by the submitters: PubMed 12833159; PubMed 15841483; PubMed 22147658.

NM_015404.4(WHRN):c.553_565del (p.Gly185fs)

Gene: WHRN (whirlin; minus strand). Cytogenetic location: 9q32.
Variant type: Deletion.
Coding change: c.553_565del on transcript NM_015404.4 (MANE Select); coding-DNA positions 553 to 565, 13 bases deleted (GGGGACCAGATTC).
Protein change: p.Gly185fs; shifts the reading frame from glycine 185.
Molecular consequence: frameshift variant.
Genome position (GRCh38, 1-based): chr9:114,504,237-114,504,249, GAATCTGGTCCCC deleted on the plus strand (GGGGACCAGATTC on the coding strand, the reverse complement: WHRN is on the minus strand); deleting any 13 consecutive bases within chr9:114,504,237-114,504,251 gives the same sequence; the c. name uses the placement nearest the transcript's 3' end. VCF-style (leftmost placement, unchanged base first): chr9-114504236-AGAATCTGGTCCCC-A. GRCh37 (hg19) VCF-style: chr9-117266516-AGAATCTGGTCCCC-A.
Other names: c.553_565del, p.Gly185fs (NM_001173425.2); short protein forms G185fs.
Identifiers: ClinVar variation 960293 (VCV000960293.7), dbSNP rs1844189531, ClinGen allele CA1139661149.